The following is an entry in ClinVar:

ClinVar aggregate classification (germline): Uncertain significance (1 of 4 stars; one submission).

Allele frequency attached by ClinVar (database versions not stated): gnomAD 0.00001; gnomAD exomes 0.00001; TOPMed 0.00002.

Submission:

GeneDx
Classification: Uncertain significance. Last evaluated: 2019-09-24. Review status: criteria provided, single submitter. Criteria: GeneDx Variant Classification Process June 2021. Collection method: clinical testing. Allele origin: germline. Affected: yes.
Comment: Not observed at a significant frequency in large population cohorts (Lek et al., 2016); In silico analysis, which includes protein predictors and evolutionary conservation, supports a deleterious effect; Has not been previously published as pathogenic or benign to our knowledge

NM_000212.3(ITGB3):c.2345A>G (p.Asn782Ser)

Genes: EFCAB13-DT (EFCAB13 divergent transcript; minus strand), ITGB3 (integrin subunit beta 3; plus strand). Cytogenetic location: 17q21.32.
Variant type: single nucleotide variant.
Coding change: c.2345A>G on transcript NM_000212.3 (MANE Select); coding-DNA position 2345, A replaced by G.
Protein change: p.Asn782Ser; replaces asparagine 782 with serine.
Molecular consequence: missense variant.
Genome position (GRCh38, 1-based): chr17:47,310,182, A>G. VCF-style: chr17-47310182-A-G. GRCh37 (hg19) VCF-style: chr17-45387548-A-G.
Other names: short protein forms N782S.
Identifiers: ClinVar variation 1303454 (VCV001303454.2), dbSNP rs1391223157, ClinGen allele CA400034816.